The following is an entry in ClinVar:

ClinVar aggregate classification (germline): Uncertain significance (1 of 4 stars; one submission).

Conditions:
Ehlers-Danlos syndrome, arthrochalasia type, 2. Also called: EHLERS-DANLOS SYNDROME, TYPE VIIB, AUTOSOMAL DOMINANT. Identifiers: MedGen CN293783, MONDO:0040501, OMIM 617821.

Submission:

MVZ Medizinische Genetik Mainz
Classification: Uncertain significance for Ehlers-Danlos syndrome, arthrochalasia type, 2. Last evaluated: 2026-01-03. Review status: criteria provided, single submitter. Criteria: UK Practice Guidelines For Variant Classification V4 01 2020. Collection method: clinical testing. Allele origin: germline. Inheritance: Autosomal dominant inheritance. Affected: yes. Observed: 1 variant allele.
Comment: ACMG Criteria: PM2_SUP,PP3

NM_000089.4(COL1A2):c.738+14_738+26del

Gene: COL1A2 (collagen type I alpha 2 chain; plus strand). Cytogenetic location: 7q21.3.
Variant type: Deletion.
Coding change: c.738+14_738+26del on transcript NM_000089.4 (MANE Select); bases 14 to 26 of the intron after coding-DNA position 738, 13 bases deleted (CTGGGGAGTTTGA).
Molecular consequence: intron variant.
Genome position (GRCh38, 1-based): chr7:94,408,394-94,408,406, CTGGGGAGTTTGA deleted; deleting any 13 consecutive bases within chr7:94,408,393-94,408,406 gives the same sequence; the c. name uses the placement nearest the transcript's 3' end. VCF-style (leftmost placement, unchanged base first): chr7-94408392-CACTGGGGAGTTTG-C. GRCh37 (hg19) VCF-style: chr7-94037704-CACTGGGGAGTTTG-C.
Identifiers: ClinVar variation 5038168 (VCV005038168.1).